The following is an entry in ClinVar:

NM_001127649.3(PEX26):c.667+2T>C

Gene: PEX26 (peroxisomal biogenesis factor 26; plus strand). Cytogenetic location: 22q11.21.
Variant type: single nucleotide variant.
Coding change: c.667+2T>C on transcript NM_001127649.3 (MANE Select); the canonical splice donor site of the intron after coding-DNA position 667, T replaced by C.
Molecular consequence: splice donor variant.
Genome position (GRCh38, 1-based): chr22:18,083,734, T>C. VCF-style: chr22-18083734-T-C. GRCh37 (hg19) VCF-style: chr22-18566500-T-C.
Other names: c.667+2T>C (NM_017929.6, NM_001199319.2).
Identifiers: ClinVar variation 1514085 (VCV001514085.9), dbSNP rs267608191, ClinGen allele CA321288866.
Genomic context (GRCh38, chr22:18,083,734, plus strand): 5'-GCAGCAGCAGAAACAGGAACACTCAGGCTCTGAGGAGGCCCAGAAGCCAAACCTGGAAGG[T>C]AGGACATTATCCCTCTGCGACCTCTGTAAAGTGGACTTGCGGGCTTGCACTGTACCTCGG-3'

ClinVar aggregate classification (germline): Pathogenic/Likely pathogenic. Review status: criteria provided, multiple submitters, no conflicts (2 of 4 stars). 2 submissions from 2 submitters: Pathogenic (1); Likely pathogenic (1). Last evaluated 2023-06-20.

Conditions:
Peroxisome biogenesis disorder 7A (Zellweger). Also called: Peroxisome biogenesis disorder 7A. Identifiers: Orphanet 912, MedGen C3888385, MONDO:0013938, OMIM 614872.
Peroxisome biogenesis disorder 7B (PBD7B). Identifiers: Orphanet 44, MedGen C3553951, MONDO:0013939, OMIM 614873.
Peroxisome biogenesis disorder. Identifiers: Orphanet 79189, MedGen C1832200, MONDO:0019234. Disease mechanism: loss of function.

Allele frequency attached by ClinVar (database versions not stated): gnomAD exomes below 0.00001; TOPMed below 0.00001; gnomAD 0.00001.
gnomAD v4.1: 3 of 1,613,524 alleles (0.00019%); highest among the groups gnomAD compares: Middle Eastern, 0.017%; no homozygotes.

Submissions (2):

Labcorp Genetics (formerly Invitae), Labcorp
Classification: Pathogenic for Peroxisome biogenesis disorder 7A (Zellweger); Peroxisome biogenesis disorder 7B. Last evaluated: 2023-06-20. Review status: criteria provided, single submitter. Criteria: Invitae Variant Classification Sherloc (09022015). Collection method: clinical testing. Allele origin: germline.
Comment: This sequence change affects a donor splice site in intron 4 of the PEX26 gene. It is expected to disrupt RNA splicing. Variants that disrupt the donor or acceptor splice site typically lead to a loss of protein function (PMID: 16199547), and loss-of-function variants in PEX26 are known to be pathogenic (PMID: 12851857, 21031596). This variant is not present in population databases (gnomAD no frequency). Disruption of this splice site has been observed in individual(s) with Zellweger syndrome (PMID: 15542397; Invitae). In at least one individual the data is consistent with being in trans (on the opposite chromosome) from a pathogenic variant. ClinVar contains an entry for this variant (Variation ID: 1514085). Algorithms developed to predict the effect of sequence changes on RNA splicing suggest that this variant may disrupt the consensus splice site. For these reasons, this variant has been classified as Pathogenic.

Women's Health and Genetics/Laboratory Corporation of America, LabCorp
Classification: Likely pathogenic for Peroxisome biogenesis disorder. Last evaluated: 2022-12-01. Review status: criteria provided, single submitter. Criteria: LabCorp Variant Classification Summary - May 2015. Collection method: clinical testing. Allele origin: germline.
Comment: Variant summary: PEX26 c.667+2T>C is located in a canonical splice-site and is predicted to affect mRNA splicing resulting in a significantly altered protein due to either exon skipping, shortening, or inclusion of intronic material. Several computational tools predict a significant impact on normal splicing: Three predict the variant abolishes the canonical 5' splicing donor site. However, these predictions have yet to be confirmed by functional studies. The variant was absent in 248876 control chromosomes (gnomAD). c.667+2T>C has been reported in the literature in an individual affected with features of Zellweger Syndrome (example: Steinberg_2004). These data do not allow any conclusion about variant significance. To our knowledge, no experimental evidence demonstrating an impact on protein function has been reported. One clinical diagnostic laboratory has submitted clinical-significance assessments for this variant to ClinVar after 2014 and classified the variant as likely pathogenic. Based on the evidence outlined above, the variant was classified as likely pathogenic.

Literature cited by the submitters: PubMed 16199547 (cited by Labcorp Genetics (formerly Invitae), Labcorp); PubMed 12851857 (cited by Labcorp Genetics (formerly Invitae), Labcorp); PubMed 21031596 (cited by Labcorp Genetics (formerly Invitae), Labcorp); PubMed 15542397 (cited by Labcorp Genetics (formerly Invitae), Labcorp and Women's Health and Genetics/Laboratory Corporation of America, LabCorp); PubMed 19105186 (cited by Women's Health and Genetics/Laboratory Corporation of America, LabCorp); PubMed 30446579 (cited by Women's Health and Genetics/Laboratory Corporation of America, LabCorp).